The following is an entry in ClinVar:

ClinVar aggregate classification (germline): Uncertain significance. Review status: criteria provided, multiple submitters, no conflicts (2 of 4 stars). 2 submissions from 2 submitters: Uncertain significance (2). Last evaluated 2024-07-30.

Conditions:
Hereditary pancreatitis (PCTT). Also called: Hereditary chronic pancreatitis; PRSS1-Related Hereditary Pancreatitis. Identifiers: Orphanet 676, MedGen C0238339, MONDO:0008185, OMIM 167800.

Allele frequency attached by ClinVar (database versions not stated): gnomAD exomes below 0.00001; ExAC 0.00001; TOPMed 0.00001; gnomAD 0.00002 and 0.00003; 1000 Genomes Project 30x 0.00016; 1000 Genomes Project 0.00020.
gnomAD v4.1: 11 of 1,614,092 alleles (0.00068%); highest among the groups gnomAD compares: East Asian, 0.0022%; no homozygotes.

Submissions (2):

Labcorp Genetics (formerly Invitae), Labcorp
Classification: Uncertain significance. Last evaluated: 2024-07-30. Review status: criteria provided, single submitter. Criteria: Invitae Variant Classification Sherloc (09022015). Collection method: clinical testing. Allele origin: germline.
Comment: This sequence change replaces arginine, which is basic and polar, with glutamine, which is neutral and polar, at codon 110 of the CPA1 protein (p.Arg110Gln). This variant is present in population databases (rs537076438, gnomAD 0.0009%). This variant has not been reported in the literature in individuals affected with CPA1-related conditions. ClinVar contains an entry for this variant (Variation ID: 1421615). Advanced modeling of protein sequence and biophysical properties (such as structural, functional, and spatial information, amino acid conservation, physicochemical variation, residue mobility, and thermodynamic stability) performed at Invitae indicates that this missense variant is not expected to disrupt CPA1 protein function with a negative predictive value of 80%. Experimental studies have shown that this missense change affects CPA1 function (PMID: 29669919). In summary, the available evidence is currently insufficient to determine the role of this variant in disease. Therefore, it has been classified as a Variant of Uncertain Significance.

Ambry Genetics
Classification: Uncertain significance for Hereditary pancreatitis. Last evaluated: 2024-03-23. Review status: criteria provided, single submitter. Criteria: Ambry Variant Classification Scheme 2023. Collection method: clinical testing. Allele origin: germline.
Comment: The p.R110Q variant (also known as c.329G>A), located in coding exon 3 of the CPA1 gene, results from a G to A substitution at nucleotide position 329. The arginine at codon 110 is replaced by glutamine, an amino acid with highly similar properties This alteration was identified in 0/593 cases of pancreatic cancer and 1/967 controls (Tamura K et al. Proc Natl Acad Sci U S A, 2018 05;115:4767-4772). This amino acid position is not well conserved in available vertebrate species. In addition, this alteration is predicted to be tolerated by in silico analysis. Since supporting evidence is limited at this time, the clinical significance of this alteration remains unclear.

Literature cited by the submitters: PubMed 29669919 (cited by Labcorp Genetics (formerly Invitae), Labcorp and Ambry Genetics).

NM_001868.4(CPA1):c.329G>A (p.Arg110Gln)

Gene: CPA1 (carboxypeptidase A1; plus strand). Cytogenetic location: 7q32.2.
Variant type: single nucleotide variant.
Coding change: c.329G>A on transcript NM_001868.4 (MANE Select); coding-DNA position 329, G replaced by A.
Protein change: p.Arg110Gln; replaces arginine 110 with glutamine.
Molecular consequence: missense variant.
Genome position (GRCh38, 1-based): chr7:130,381,811, G>A. VCF-style: chr7-130381811-G-A. GRCh37 (hg19) VCF-style: chr7-130021652-G-A.
Other names: short protein forms R110Q.
Identifiers: ClinVar variation 1421615 (VCV001421615.11), dbSNP rs537076438, ClinGen allele CA4484757.